The following is an entry in ClinVar:

NM_001267550.2(TTN):c.97152T>C (p.Val32384=)

Genes: TTN-AS1 (TTN antisense RNA 1; plus strand), TTN (titin; minus strand). Cytogenetic location: 2q31.2.
Variant type: single nucleotide variant.
Coding change: c.97152T>C on transcript NM_001267550.2 (MANE Select); coding-DNA position 97152, T replaced by C.
Protein change: p.Val32384=; no amino-acid change (valine 32384 retained).
Molecular consequence: synonymous variant.
Genome position (GRCh38, 1-based): chr2:178,542,702, A>G on the plus strand (T>C on the coding strand, the complement: TTN is on the minus strand). VCF-style: chr2-178542702-A-G. GRCh37 (hg19) VCF-style: chr2-179407429-A-G.
Other names: c.92229T>C, p.Val30743= (NM_001256850.1); c.69957T>C, p.Val23319= (NM_003319.4); c.89448T>C, p.Val29816= (NM_133378.4); c.70332T>C, p.Val23444= (NM_133432.3); c.70533T>C, p.Val23511= (NM_133437.4).
Identifiers: ClinVar variation 386194 (VCV000386194.34), dbSNP rs368018568, ClinGen allele CA1986620.

ClinVar aggregate classification (germline): Likely benign. Review status: criteria provided, multiple submitters, no conflicts (2 of 4 stars). 5 submissions from 5 submitters: Likely benign (5). Last evaluated 2025-07-22.

Conditions:
Cardiovascular phenotype. Identifiers: MedGen CN230736.
Autosomal recessive limb-girdle muscular dystrophy type 2J (LGMDR10). Also called: Limb-girdle muscular dystrophy, type 2J; MUSCULAR DYSTROPHY, LIMB-GIRDLE, AUTOSOMAL RECESSIVE 10. Identifiers: Orphanet 140922, MedGen C1837342, MONDO:0012127, OMIM 608807.
Dilated cardiomyopathy 1G (CMD1G). Identifiers: Orphanet 154, MedGen C1858763, MONDO:0011400, OMIM 604145.

Allele frequency attached by ClinVar (database versions not stated): gnomAD 0.00001 and 0.00003; gnomAD exomes 0.00001 and 0.00002; ExAC 0.00002; TOPMed 0.00003; ESP Exome Variant Server 0.00008.
gnomAD v4.1: 35 of 1,613,700 alleles (0.0022%); highest among the groups gnomAD compares: Non-Finnish European, 0.0028%; no homozygotes.

Submissions (5):

Labcorp Genetics (formerly Invitae), Labcorp
Classification: Likely benign for Dilated cardiomyopathy 1G; Autosomal recessive limb-girdle muscular dystrophy type 2J. Last evaluated: 2025-07-22. Review status: criteria provided, single submitter. Criteria: Invitae Variant Classification Sherloc (09022015). Collection method: clinical testing. Allele origin: germline.

Women's Health and Genetics/Laboratory Corporation of America, LabCorp
Classification: Likely benign. Last evaluated: 2023-08-12. Review status: criteria provided, single submitter. Criteria: LabCorp Variant Classification Summary - May 2015. Collection method: clinical testing. Allele origin: germline.

CeGaT Center for Human Genetics Tuebingen
Classification: Likely benign. Last evaluated: 2022-10-01. Review status: criteria provided, single submitter. Criteria: CeGaT Center For Human Genetics Tuebingen Variant Classification Criteria Version 2. Collection method: clinical testing. Allele origin: germline. Affected: yes. Observed: 1 variant allele.
Comment: TTN: BP4, BP7

Ambry Genetics
Classification: Likely benign for Cardiovascular phenotype. Last evaluated: 2018-07-24. Review status: criteria provided, single submitter. Criteria: Ambry Variant Classification Scheme 2023. Collection method: clinical testing. Allele origin: germline.

GeneDx
Classification: Likely benign. Last evaluated: 2016-05-27. Review status: criteria provided, single submitter. Criteria: GeneDx Variant Classification (06012015). Collection method: clinical testing. Allele origin: germline. Affected: yes.
Comment: This variant is considered likely benign or benign based on one or more of the following criteria: it is a conservative change, it occurs at a poorly conserved position in the protein, it is predicted to be benign by multiple in silico algorithms, and/or has population frequency not consistent with disease.